The following is an entry in ClinVar:

ClinVar aggregate classification (germline): Uncertain significance. Review status: criteria provided, multiple submitters, no conflicts (2 of 4 stars). 4 submissions from 4 submitters: Uncertain significance (4). Last evaluated 2024-08-01.

Conditions:
Hereditary nonpolyposis colorectal neoplasms. Identifiers: MedGen C0009405, MeSH D003123.
Hereditary cancer-predisposing syndrome. Also called: Neoplastic Syndromes, Hereditary; Tumor predisposition; Hereditary neoplastic syndrome; Hereditary Cancer Syndrome. Identifiers: Orphanet 140162, MedGen C0027672, MeSH D009386, MONDO:0015356.
Endometrial carcinoma. Also called: Endometrial carcinoma, somatic. Identifiers: MedGen C0476089, MONDO:0002447, OMIM 608089, HP:0012114.
Mismatch repair cancer syndrome 3. Identifiers: MedGen C5436807, MONDO:0030841, OMIM 619097.
Lynch syndrome 5 (LYNCH5). Also called: Hereditary non-polyposis colorectal cancer, type 5; Colorectal cancer, hereditary nonpolyposis, type 5. Identifiers: Orphanet 144, MedGen C1833477, MONDO:0013710, OMIM 614350. Disease mechanism: loss of function.

Allele frequency attached by ClinVar (database versions not stated): gnomAD exomes below 0.00001; gnomAD 0.00001.
gnomAD v4.1: 2 of 1,612,106 alleles (0.00012%); highest among the groups gnomAD compares: African/African-American, 0.0013%; no homozygotes.

Submissions (4):

Labcorp Genetics (formerly Invitae), Labcorp
Classification: Uncertain significance for Hereditary nonpolyposis colorectal neoplasms. Last evaluated: 2024-08-01. Review status: criteria provided, single submitter. Criteria: Invitae Variant Classification Sherloc (09022015). Collection method: clinical testing. Allele origin: germline.
Comment: This sequence change replaces histidine, which is basic and polar, with leucine, which is neutral and non-polar, at codon 388 of the MSH6 protein (p.His388Leu). This variant is not present in population databases (gnomAD no frequency). This variant has not been reported in the literature in individuals affected with MSH6-related conditions. ClinVar contains an entry for this variant (Variation ID: 1364057). Advanced modeling of protein sequence and biophysical properties (such as structural, functional, and spatial information, amino acid conservation, physicochemical variation, residue mobility, and thermodynamic stability) performed at Invitae indicates that this missense variant is not expected to disrupt MSH6 protein function with a negative predictive value of 95%. In summary, the available evidence is currently insufficient to determine the role of this variant in disease. Therefore, it has been classified as a Variant of Uncertain Significance.

Ambry Genetics
Classification: Uncertain significance for Hereditary cancer-predisposing syndrome. Last evaluated: 2024-07-01. Review status: criteria provided, single submitter. Criteria: Ambry Variant Classification Scheme 2023. Collection method: clinical testing. Allele origin: germline.
Comment: The p.H388L variant (also known as c.1163A>T), located in coding exon 4 of the MSH6 gene, results from an A to T substitution at nucleotide position 1163. The histidine at codon 388 is replaced by leucine, an amino acid with similar properties. This amino acid position is not well conserved in available vertebrate species. In addition, the in silico prediction for this alteration is inconclusive. Since supporting evidence is limited at this time, the clinical significance of this alteration remains unclear.

Fulgent Genetics
Classification: Uncertain significance for Endometrial carcinoma; Lynch syndrome 5; Mismatch repair cancer syndrome 3. Last evaluated: 2024-03-18. Review status: criteria provided, single submitter. Criteria: ACMG Guidelines, 2015. Collection method: clinical testing. Allele origin: germline.

Women's Health and Genetics/Laboratory Corporation of America, LabCorp
Classification: Uncertain significance. Last evaluated: 2024-01-08. Review status: criteria provided, single submitter. Criteria: LabCorp Variant Classification Summary - May 2015. Collection method: clinical testing. Allele origin: germline.

NM_000179.3(MSH6):c.1163A>T (p.His388Leu)

Gene: MSH6 (mutS homolog 6; plus strand). Cytogenetic location: 2p16.3.
Variant type: single nucleotide variant.
Coding change: c.1163A>T on transcript NM_000179.3 (MANE Select); coding-DNA position 1163, A replaced by T.
Protein change: p.His388Leu; replaces histidine 388 with leucine.
Molecular consequence: missense variant.
Genome position (GRCh38, 1-based): chr2:47,799,146, A>T. VCF-style: chr2-47799146-A-T. GRCh37 (hg19) VCF-style: chr2-48026285-A-T.
Other names: c.773A>T, p.His258Leu (NM_001281492.2); c.257A>T, p.His86Leu (NM_001281493.2, NM_001281494.2); short protein forms H388L, H258L, H86L.
Identifiers: ClinVar variation 1364057 (VCV001364057.11), dbSNP rs786201185, ClinGen allele CA346742272.